The following is an entry in ClinVar:

NM_018718.3(CEP41):c.851G>A (p.Arg284Gln)

Gene: CEP41 (centrosomal protein 41; minus strand). Cytogenetic location: 7q32.2.
Variant type: single nucleotide variant.
Coding change: c.851G>A on transcript NM_018718.3 (MANE Select); coding-DNA position 851, G replaced by A.
Protein change: p.Arg284Gln; replaces arginine 284 with glutamine.
Molecular consequence: missense variant. On other transcripts: non-coding transcript variant (1), intron variant (2).
Genome position (GRCh38, 1-based): chr7:130,400,161, C>T on the plus strand (G>A on the coding strand, the complement: CEP41 is on the minus strand). VCF-style: chr7-130400161-C-T. GRCh37 (hg19) VCF-style: chr7-130040002-C-T.
Other names: c.709+546G>A (NM_001257159.2); c.757+546G>A (NM_001257158.2); short protein forms R284Q.
Identifiers: ClinVar variation 392987 (VCV000392987.40), dbSNP rs782105300, ClinGen allele CA4485449.
Genomic context (GRCh38, chr7:130,400,161, plus strand): 5'-GGGGTAAATCTCCATTTATTCTCAGCTGGTAGGGGTGGCCCTTTGGGGCTGGATCGTTTC[C>T]GGGCAGACCCAGGAGGAAGGGCCTGCTGGCAAGATGCTGGCAGGGAACCAGTAATCAGTC-3'
Protein context (NP_061188.1, residues 274-294): CQQALPPGSA[Arg284Gln]KRSSPKGPPL

ClinVar aggregate classification (germline): Conflicting classifications of pathogenicity. Review status: criteria provided, conflicting classifications (1 of 4 stars). 5 submissions from 5 submitters: Likely pathogenic (1); Uncertain significance (4). Last evaluated 2024-11-04.

Conditions:
Joubert syndrome 15 (JBTS15). Identifiers: Orphanet 475, MedGen C3280897, MONDO:0013763, OMIM 614464.
Congenital stationary night blindness 2A (CSNB2A). Also called: Night blindness, congenital stationary (incomplete), 2A, X-linked; CACNA1F-Related X-Linked Congenital Stationary Night Blindness; NIGHT BLINDNESS, CONGENITAL STATIONARY, TYPE 2; CSNB, INCOMPLETE, X-LINKED. Identifiers: Orphanet 215, MedGen C1848172, MONDO:0010241, OMIM 300071.

Allele frequency attached by ClinVar (database versions not stated): gnomAD 0.00003; gnomAD exomes 0.00004 and 0.00006; ExAC 0.00006; TOPMed 0.00006.
gnomAD v4.1: 64 of 1,613,620 alleles (0.004%); highest among the groups gnomAD compares: South Asian, 0.024%; no homozygotes.

Submissions (5):

Blueprint Genetics
Classification: Uncertain significance. Last evaluated: 2024-11-04. Review status: criteria provided, single submitter. Criteria: ACMG Guidelines, 2015. Collection method: clinical testing. Allele origin: germline.

Labcorp Genetics (formerly Invitae), Labcorp
Classification: Uncertain significance for Joubert syndrome 15. Last evaluated: 2022-09-27. Review status: criteria provided, single submitter. Criteria: Invitae Variant Classification Sherloc (09022015). Collection method: clinical testing. Allele origin: germline.
Comment: This sequence change replaces arginine, which is basic and polar, with glutamine, which is neutral and polar, at codon 284 of the CEP41 protein (p.Arg284Gln). This variant is present in population databases (rs782105300, gnomAD 0.03%). This variant has not been reported in the literature in individuals affected with CEP41-related conditions. ClinVar contains an entry for this variant (Variation ID: 392987). Advanced modeling of protein sequence and biophysical properties (such as structural, functional, and spatial information, amino acid conservation, physicochemical variation, residue mobility, and thermodynamic stability) performed at Invitae indicates that this missense variant is not expected to disrupt CEP41 protein function. Algorithms developed to predict the effect of sequence changes on RNA splicing suggest that this variant may create or strengthen a splice site. In summary, the available evidence is currently insufficient to determine the role of this variant in disease. Therefore, it has been classified as a Variant of Uncertain Significance.

CeGaT Center for Human Genetics Tuebingen
Classification: Uncertain significance. Last evaluated: 2022-02-01. Review status: criteria provided, single submitter. Criteria: CeGaT Center For Human Genetics Tuebingen Variant Classification Criteria Version 2. Collection method: clinical testing. Allele origin: germline. Affected: yes. Observed: 1 variant allele.

GeneDx
Classification: Uncertain significance. Last evaluated: 2017-01-17. Review status: criteria provided, single submitter. Criteria: GeneDx Variant Classification (06012015). Collection method: clinical testing. Allele origin: germline. Affected: yes.
Comment: The c.851G>A variant in the CEP41 gene has not been reported previously as a pathogenic variant, nor as a benign variant, to our knowledge. This variant was not observed in approximately 6,500 individuals of European and African American ancestry in the NHLBI Exome Sequencing Project, indicating it is not a common benign variant in these populations. In-silico splice prediction models predict that c.851G>A may create a cryptic splice acceptor site in exon 10, however the natural splice acceptor site in intron 9 is unaffected. In the absence of RNA/functional studies, the actual effect of c.851G>A change in this individual is unknown. If c.851G>A does not alter splicing, it will result in the R284Q missense change. The R284Q variant is a semi-conservative amino acid substitution, which may impact secondary protein structure as these residues differ in some properties. This substitution occurs at a position that is conserved in mammals. In silico analysis is inconsistent in its predictions as to whether or not the variant is damaging to the protein structure/function. We interpret c.851G>A as a variant of uncertain significance.

Ningxia Clinical Research Institute, People's Hospital of Ningxia Hui Autonomous Region
Classification: Likely pathogenic for Congenital stationary night blindness 2A. Review status: criteria provided, single submitter. Criteria: ACMG Guidelines, 2015. Collection method: clinical testing. Allele origin: inherited. Inheritance: Autosomal recessive inheritance. Affected: yes. Observed: 1 variant allele, 1 compound heterozygote.
Comment: This variant was extremely rare or absent in Asian population datasets from the Exome Aggregation Consortium (ExAC), the Genome Aggregation Database (gnomAD), and the 1000 Genomes Project (PM2). This variant was reported to cosegregate with the disease phenotype in the family (PM3). Multiple bioinformatic analyses, including cross-species conservation analysis, supported a deleterious effect (PP3), and the proband's neurological phenotype (MTS with motor incoordination and mild developmental delay) was consistent with JBTS (PP4). Under the American College of Medical Genetics and Genomics/Association for Molecular Pathology (ACMG/AMP) variant interpretation framework, both variants were classified as likely pathogenic on the basis of PM2 + PM3+ PP3 + PP4.